The following is an entry in ClinVar:

ClinVar aggregate classification (germline): Pathogenic/Likely pathogenic. Review status: criteria provided, multiple submitters, no conflicts (2 of 4 stars). 5 submissions from 5 submitters: Pathogenic (3); Likely pathogenic (2). Last evaluated 2025-12-29.

Conditions:
Neurofibromatosis, type 1 (NF1). Also called: VON RECKLINGHAUSEN DISEASE; NEUROFIBROMATOSIS, TYPE I, SOMATIC; Peripheral type neurofibromatosis; Neurofibromatosis, type I. Identifiers: Orphanet 636, MedGen C0027831, MONDO:0018975, OMIM 162200. Disease mechanism: loss of function.

Submissions (5):

Myriad Genetics, Inc.
Classification: Pathogenic for Neurofibromatosis, type 1. Last evaluated: 2025-12-29. Review status: criteria provided, single submitter. Criteria: Myriad Autosomal Dominant, Autosomal Recessive and X-Linked Classification Criteria (2023). Collection method: clinical testing. Allele origin: unknown.
Comment: This variant is considered pathogenic. This variant occurs within a consensus splice junction and is predicted to result in abnormal mRNA splicing of either an out-of-frame exon or an in-frame exon necessary for protein stability and/or normal function. This variant has been reported in multiple individuals with clinical features of gene-specific disease [PMID: 12872266, 34346503, 34771502, 40653509, 18546366, 31776437].

Quest Diagnostics Nichols Institute San Juan Capistrano
Classification: Likely pathogenic. Last evaluated: 2025-06-02. Review status: criteria provided, single submitter. Criteria: Quest Diagnostics criteria. Collection method: clinical testing. Allele origin: unknown.
Comment: The NF1 c.2251+1G>C variant disrupts a canonical splice-donor site and is predicted to interfere with normal NF1 mRNA splicing. This variant has not been reported in the germline of individuals affected with NF1-related conditions in the published literature. However, related splice site variants, c.2251+1G>A and c.2252+2T>G, have been identified in individuals affected with neurofibromatosis type 1 (PMID: 34771502 (2021), 31776437 (2020)). The c.2251+1G>C This variant has not been reported in large, multi-ethnic general populations (Genome Aggregation Database). Based on the available information, this variant is classified as likely pathogenic.

Labcorp Genetics (formerly Invitae), Labcorp
Classification: Pathogenic for Neurofibromatosis, type 1. Last evaluated: 2023-07-14. Review status: criteria provided, single submitter. Criteria: Invitae Variant Classification Sherloc (09022015). Collection method: clinical testing. Allele origin: germline.
Comment: For these reasons, this variant has been classified as Pathogenic. Algorithms developed to predict the effect of sequence changes on RNA splicing suggest that this variant may disrupt the consensus splice site. ClinVar contains an entry for this variant (Variation ID: 527548). Disruption of this splice site has been observed in individual(s) with neurofibromatosis type 1 (PMID: 31776437). This variant is not present in population databases (gnomAD no frequency). This sequence change affects a donor splice site in intron 18 of the NF1 gene. It is expected to disrupt RNA splicing. Variants that disrupt the donor or acceptor splice site typically lead to a loss of protein function (PMID: 16199547), and loss-of-function variants in NF1 are known to be pathogenic (PMID: 10712197, 23913538).

Genome-Nilou Lab
Classification: Likely pathogenic for Neurofibromatosis, type 1. Last evaluated: 2022-03-15. Review status: criteria provided, single submitter. Criteria: ACMG Guidelines, 2015. Collection method: clinical testing. Allele origin: germline. Affected: no.

Genome Diagnostics Laboratory, The Hospital for Sick Children
Classification: Pathogenic for Neurofibromatosis, type 1. Last evaluated: 2020-10-26. Review status: criteria provided, single submitter. Criteria: ACMG Guidelines, 2015. Collection method: clinical testing. Allele origin: germline. Affected: yes.

Literature cited by the submitters: PubMed 12872266 (cited by Myriad Genetics, Inc.); PubMed 34346503 (cited by Myriad Genetics, Inc.); PubMed 34771502 (cited by Myriad Genetics, Inc.); PubMed 40653509 (cited by Myriad Genetics, Inc.); PubMed 18546366 (cited by Myriad Genetics, Inc.); PubMed 31776437 (cited by Myriad Genetics, Inc. and Labcorp Genetics (formerly Invitae), Labcorp); PubMed 16199547 (cited by Labcorp Genetics (formerly Invitae), Labcorp); PubMed 10712197 (cited by Labcorp Genetics (formerly Invitae), Labcorp); PubMed 23913538 (cited by Labcorp Genetics (formerly Invitae), Labcorp).

NM_001042492.3(NF1):c.2251+1G>C

Gene: NF1 (neurofibromin 1; plus strand). Cytogenetic location: 17q11.2.
Variant type: single nucleotide variant.
Coding change: c.2251+1G>C on transcript NM_001042492.3 (MANE Select); the canonical splice donor site of the intron after coding-DNA position 2251, G replaced by C.
Molecular consequence: splice donor variant.
Genome position (GRCh38, 1-based): chr17:31,226,685, G>C. VCF-style: chr17-31226685-G-C. GRCh37 (hg19) VCF-style: chr17-29553703-G-C.
Other names: c.2251+1G>C (NM_000267.4).
Identifiers: ClinVar variation 527548 (VCV000527548.11), dbSNP rs1555613843, ClinGen allele CA398982597.